The following is an entry in ClinVar:

ClinVar aggregate classification (germline): Uncertain significance. Review status: criteria provided, multiple submitters, no conflicts (2 of 4 stars). 2 submissions from 2 submitters: Uncertain significance (2). Last evaluated 2024-03-06.

Conditions:
Cardiovascular phenotype. Identifiers: MedGen CN230736.
Long QT syndrome (LQTS). Identifiers: MedGen C0023976, MeSH D008133, MONDO:0002442. Disease mechanism: loss of function. Inheritance: Various modes of inheritance.

Allele frequency attached by ClinVar (database versions not stated): gnomAD 0.00001; TOPMed below 0.00001.

Submissions (2):

Labcorp Genetics (formerly Invitae), Labcorp
Classification: Uncertain significance for Long QT syndrome. Last evaluated: 2024-03-06. Review status: criteria provided, single submitter. Criteria: Invitae Variant Classification Sherloc (09022015). Collection method: clinical testing. Allele origin: germline.
Comment: This sequence change falls in intron 3 of the KCNH2 gene. It does not directly change the encoded amino acid sequence of the KCNH2 protein. It affects a nucleotide within the consensus splice site. This variant is not present in population databases (gnomAD no frequency). This variant has not been reported in the literature in individuals affected with KCNH2-related conditions. ClinVar contains an entry for this variant (Variation ID: 1742732). Variants that disrupt the consensus splice site are a relatively common cause of aberrant splicing (PMID: 17576681, 9536098). Algorithms developed to predict the effect of sequence changes on RNA splicing suggest that this variant is not likely to affect RNA splicing. In summary, the available evidence is currently insufficient to determine the role of this variant in disease. Therefore, it has been classified as a Variant of Uncertain Significance.

Ambry Genetics
Classification: Uncertain significance for Cardiovascular phenotype. Last evaluated: 2022-03-10. Review status: criteria provided, single submitter. Criteria: Ambry Variant Classification Scheme 2023. Collection method: clinical testing. Allele origin: germline.
Comment: The c.473-3C>T intronic variant results from a C to T substitution 3 nucleotides upstream from coding exon 4 in the KCNH2 gene. This nucleotide position is highly conserved in available vertebrate species. In silico splice site analysis predicts that this alteration will not have any significant effect on splicing. Since supporting evidence is limited at this time, the clinical significance of this alteration remains unclear.

Literature cited by the submitters: PubMed 17576681 (cited by Labcorp Genetics (formerly Invitae), Labcorp); PubMed 9536098 (cited by Labcorp Genetics (formerly Invitae), Labcorp).

NM_000238.4(KCNH2):c.473-3C>T

Gene: KCNH2 (potassium voltage-gated channel subfamily H member 2; minus strand). Cytogenetic location: 7q36.1.
Variant type: single nucleotide variant.
Coding change: c.473-3C>T on transcript NM_000238.4 (MANE Select); 3 bases into the intron before coding-DNA position 473, C replaced by T.
Molecular consequence: intron variant.
Genome position (GRCh38, 1-based): chr7:150,958,505, G>A on the plus strand (C>T on the coding strand, the complement: KCNH2 is on the minus strand). VCF-style: chr7-150958505-G-A. GRCh37 (hg19) VCF-style: chr7-150655593-G-A.
Other names: c.185-3C>T (NM_001406753.1, NM_001406756.1); c.473-3C>T (NM_172056.3); c.296-3C>T (NM_001406755.1); c.173-3C>T (NM_001406757.1).
Identifiers: ClinVar variation 1742732 (VCV001742732.4), dbSNP rs1273681731, ClinGen allele CA835204094.
Genomic context (GRCh38, chr7:150,958,505, plus strand): 5'-TCCCGGGCCGTCAGCGCCAGCAGCGCGGGCAGCTTCAGGCGGAAGGTCTTGGCGCGGCCT[G>A]CGGGAGAGGAGAGGCACGTGGTCGTGGGGATCGCGAGCAGCCCCGGAGCGGGCAAGGCCT-3'